The following is an entry in ClinVar:

ClinVar aggregate classification (germline): Uncertain significance (1 of 4 stars; one submission).

Conditions:
Acyl-CoA oxidase deficiency. Also called: STRAIGHT-CHAIN ACYL-CoA OXIDASE DEFICIENCY; Pseudoneonatal adrenoleukodystrophy; Peroxisomal acyl-CoA oxidase deficiency. Identifiers: Orphanet 2971, MedGen C1849678, MONDO:0009919, OMIM 264470. Disease mechanism: loss of function.

Submission:

Labcorp Genetics (formerly Invitae), Labcorp
Classification: Uncertain significance for Acyl-CoA oxidase deficiency. Last evaluated: 2022-03-23. Review status: criteria provided, single submitter. Criteria: Invitae Variant Classification Sherloc (09022015). Collection method: clinical testing. Allele origin: germline.
Comment: This sequence change replaces glutamic acid, which is acidic and polar, with valine, which is neutral and non-polar, at codon 357 of the ACOX1 protein (p.Glu357Val). This variant is not present in population databases (gnomAD no frequency). This variant has not been reported in the literature in individuals affected with ACOX1-related conditions. Algorithms developed to predict the effect of missense changes on protein structure and function output the following: SIFT: "Tolerated"; PolyPhen-2: "Benign"; Align-GVGD: "Class C0". The valine amino acid residue is found in multiple mammalian species, which suggests that this missense change does not adversely affect protein function. Algorithms developed to predict the effect of sequence changes on RNA splicing suggest that this variant may create or strengthen a splice site. In summary, the available evidence is currently insufficient to determine the role of this variant in disease. Therefore, it has been classified as a Variant of Uncertain Significance.

NM_004035.7(ACOX1):c.1070A>T (p.Glu357Val)

Gene: ACOX1 (acyl-CoA oxidase 1; minus strand). Cytogenetic location: 17q25.1.
Variant type: single nucleotide variant.
Coding change: c.1070A>T on transcript NM_004035.7 (MANE Select); coding-DNA position 1070, A replaced by T.
Protein change: p.Glu357Val; replaces glutamic acid 357 with valine.
Molecular consequence: missense variant.
Genome position (GRCh38, 1-based): chr17:75,951,452, T>A on the plus strand (A>T on the coding strand, the complement: ACOX1 is on the minus strand). VCF-style: chr17-75951452-T-A. GRCh37 (hg19) VCF-style: chr17-73947533-T-A.
Other names: c.956A>T, p.Glu319Val (NM_001185039.2); c.1070A>T, p.Glu357Val (NM_007292.6); short protein forms E357V, E319V.
Identifiers: ClinVar variation 2049086 (VCV002049086.1), dbSNP rs2546076334, ClinGen allele CA401063615.